The following is an entry in ClinVar:

NM_000268.4(NF2):c.71T>G (p.Val24Gly)

Gene: NF2 (NF2, moesin-ezrin-radixin like (MERLIN) tumor suppressor; plus strand). Cytogenetic location: 22q12.2.
Variant type: single nucleotide variant.
Coding change: c.71T>G on transcript NM_000268.4 (MANE Select); coding-DNA position 71, T replaced by G.
Protein change: p.Val24Gly; replaces valine 24 with glycine.
Molecular consequence: missense variant. On other transcripts: 5 prime UTR variant (4), non-coding transcript variant (1).
Genome position (GRCh38, 1-based): chr22:29,604,069, T>G. VCF-style: chr22-29604069-T-G. GRCh37 (hg19) VCF-style: chr22-30000058-T-G.
Other names: c.-160T>G (NM_001407053.1, NM_001407056.1); c.71T>G, p.Val24Gly (NM_001407054.1, NM_001407055.1, NM_001407057.1 and 15 more transcripts); c.-570T>G (NM_001407065.1); c.-186T>G (NM_001407067.1); short protein forms V24G.
Identifiers: ClinVar variation 4827549 (VCV004827549.1).

ClinVar aggregate classification (germline): Uncertain significance (1 of 4 stars; one submission).

Conditions:
Hereditary cancer-predisposing syndrome. Also called: Neoplastic Syndromes, Hereditary; Tumor predisposition; Hereditary Cancer Syndrome; Hereditary neoplastic syndrome. Identifiers: Orphanet 140162, MedGen C0027672, MeSH D009386, MONDO:0015356.

Submission:

Ambry Genetics
Classification: Uncertain significance for Hereditary cancer-predisposing syndrome. Last evaluated: 2026-03-03. Review status: criteria provided, single submitter. Criteria: Ambry Variant Classification Scheme 2023. Collection method: clinical testing. Allele origin: germline.
Comment: The p.V24G variant (also known as c.71T>G), located in coding exon 1 of the NF2 gene, results from a T to G substitution at nucleotide position 71. The valine at codon 24 is replaced by glycine, an amino acid with dissimilar properties. This amino acid position is conserved. In addition, the in silico prediction for this alteration is inconclusive. Based on the available evidence, the clinical significance of this variant remains unclear.